The following is an entry in ClinVar:

ClinVar aggregate classification (germline): Uncertain significance. Review status: criteria provided, multiple submitters, no conflicts (2 of 4 stars). 2 submissions from 2 submitters: Uncertain significance (2). Last evaluated 2022-09-02.

Conditions:
Arrhythmogenic right ventricular dysplasia 8 (ARVD8). Also called: Arrhythmogenic Right Ventricular Dysplasia/Cardiomyopathy 8; ARRHYTHMOGENIC RIGHT VENTRICULAR DYSPLASIA, FAMILIAL, 8; ARRHYTHMOGENIC RIGHT VENTRICULAR CARDIOMYOPATHY 8. Identifiers: MedGen C1843896, MONDO:0011831, OMIM 607450.
Arrhythmogenic cardiomyopathy with wooly hair and keratoderma. Also called: Carvajal syndrome; Dilated cardiomyopathy with woolly hair and keratoderma; Arrhythmogenic cardiomyopathy with woolly hair and keratoderma; PALMOPLANTAR KERATODERMA WITH LEFT VENTRICULAR CARDIOMYOPATHY AND WOOLLY HAIR. Identifiers: Orphanet 65282, MedGen C1854063, MONDO:0011581, OMIM 605676.
Cardiovascular phenotype. Identifiers: MedGen CN230736.

Allele frequency attached by ClinVar (database versions not stated): gnomAD exomes below 0.00001 and 0.00001.
gnomAD v4.1: 2 of 1,614,014 alleles (0.00012%); highest among the groups gnomAD compares: Admixed American, 0.0033%; no homozygotes.

Submissions (2):

Ambry Genetics
Classification: Uncertain significance for Cardiovascular phenotype. Last evaluated: 2022-09-02. Review status: criteria provided, single submitter. Criteria: Ambry Variant Classification Scheme 2023. Collection method: clinical testing. Allele origin: germline.
Comment: The p.L1718S variant (also known as c.5153T>C), located in coding exon 23 of the DSP gene, results from a T to C substitution at nucleotide position 5153. The leucine at codon 1718 is replaced by serine, an amino acid with dissimilar properties. This amino acid position is conserved. In addition, the in silico prediction for this alteration is inconclusive. Since supporting evidence is limited at this time, the clinical significance of this alteration remains unclear.

Labcorp Genetics (formerly Invitae), Labcorp
Classification: Uncertain significance for Arrhythmogenic cardiomyopathy with wooly hair and keratoderma; Arrhythmogenic right ventricular dysplasia 8. Last evaluated: 2021-09-01. Review status: criteria provided, single submitter. Criteria: Invitae Variant Classification Sherloc (09022015). Collection method: clinical testing. Allele origin: germline.

NM_004415.4(DSP):c.5153T>C (p.Leu1718Ser)

Gene: DSP (desmoplakin; plus strand). Cytogenetic location: 6p24.3.
Variant type: single nucleotide variant.
Coding change: c.5153T>C on transcript NM_004415.4 (MANE Select); coding-DNA position 5153, T replaced by C.
Protein change: p.Leu1718Ser; replaces leucine 1718 with serine.
Molecular consequence: missense variant. On other transcripts: intron variant (2).
Genome position (GRCh38, 1-based): chr6:7,581,343, T>C. VCF-style: chr6-7581343-T-C. GRCh37 (hg19) VCF-style: chr6-7581576-T-C.
Other names: c.5153T>C (LRG_423t1); c.4050+1103T>C (NM_001319034.2); c.3583-1299T>C (NM_001008844.3); short protein forms L1718S.
Identifiers: ClinVar variation 570143 (VCV000570143.8), dbSNP rs1278859783, ClinGen allele CA362687972.
Genomic context (GRCh38, chr6:7,581,343, plus strand): 5'-AAAGCAAAATAGAAATTGAGAGGCTGCAGTCTCTCACAGAGAACCTGACCAAGGAGCACT[T>C]GATGTTAGAAGAAGAACTGCGGAACCTGAGGCTGGAGTACGATGACCTGAGGAGAGGACG-3'
Protein context (NP_004406.2, residues 1708-1728): SLTENLTKEH[Leu1718Ser]MLEEELRNLR